The following is an entry in ClinVar:

ClinVar aggregate classification (germline): Likely benign (0 of 4 stars; one submission).

Conditions:
TET1-related disorder. Also called: TET1-related condition.

Allele frequency attached by ClinVar (database versions not stated): ExAC 0.00001; gnomAD 0.00003.
gnomAD v4.1: 20 of 1,614,024 alleles (0.0012%); highest among the groups gnomAD compares: African/African-American, 0.027%; no homozygotes.

Submission:

PreventionGenetics, part of Exact Sciences
Classification: Likely benign for TET1-related condition. Last evaluated: 2019-08-12. Review status: no assertion criteria provided. Collection method: clinical testing. Allele origin: germline.
Comment: This variant is classified as likely benign based on ACMG/AMP sequence variant interpretation guidelines (Richards et al. 2015 PMID: 25741868, with internal and published modifications).

NM_030625.3(TET1):c.732T>C (p.Ala244=)

Gene: TET1 (tet methylcytosine dioxygenase 1; plus strand). Cytogenetic location: 10q21.3.
Variant type: single nucleotide variant.
Coding change: c.732T>C on transcript NM_030625.3 (MANE Select); coding-DNA position 732, T replaced by C.
Protein change: p.Ala244=; no amino-acid change (alanine 244 retained).
Molecular consequence: synonymous variant.
Genome position (GRCh38, 1-based): chr10:68,573,070, T>C. VCF-style: chr10-68573070-T-C. GRCh37 (hg19) VCF-style: chr10-70332827-T-C.
Other names: c.732T>C, p.Ala244= (NM_001406365.1, NM_001406373.1, NM_001406374.1).
Identifiers: ClinVar variation 3035220 (VCV003035220.2), dbSNP rs753892958, ClinGen allele CA5525977.
Genomic context (GRCh38, chr10:68,573,070, plus strand): 5'-TGAAGGACTATTCTCTGAAGAGACATTGAATGATACCAGTGGTTCCCCAAAAATGTTTGC[T>C]CAGGACACAGTGTGTGCTCCTTTTCCCCAAAGAGCAACCCCCAAAGTTACCTCTCAAGGA-3'
Protein context (NP_085128.2, residues 234-254): NDTSGSPKMF[Ala244=]QDTVCAPFPQ